The following is an entry in ClinVar:

NM_020937.4(FANCM):c.3095A>T (p.Asp1032Val)

Gene: FANCM (FA complementation group M; plus strand). Cytogenetic location: 14q21.2.
Variant type: single nucleotide variant.
Coding change: c.3095A>T on transcript NM_020937.4 (MANE Select); coding-DNA position 3095, A replaced by T.
Protein change: p.Asp1032Val; replaces aspartic acid 1032 with valine.
Molecular consequence: missense variant.
Genome position (GRCh38, 1-based): chr14:45,175,849, A>T. VCF-style: chr14-45175849-A-T. GRCh37 (hg19) VCF-style: chr14-45645052-A-T.
Other names: c.3095A>T (NM_020937.2); c.3017A>T, p.Asp1006Val (NM_001308133.2); short protein forms D1006V, D1032V.
Identifiers: ClinVar variation 998221 (VCV000998221.10), dbSNP rs776989238, ClinGen allele CA7169465.

ClinVar aggregate classification (germline): Uncertain significance. Review status: criteria provided, multiple submitters, no conflicts (2 of 4 stars). 4 submissions from 4 submitters: Uncertain significance (4). Last evaluated 2024-09-25.

Conditions:
Spermatogenic failure 28. Identifiers: MedGen C4748117, MONDO:0054732, OMIM 618086.
Fanconi anemia (FA). Also called: Fanconi's anemia. Identifiers: Orphanet 84, MedGen C0015625, MeSH D005199, MONDO:0019391.

Allele frequency attached by ClinVar (database versions not stated): ExAC 0.00002; TOPMed 0.00002.

Submissions (4):

Quest Diagnostics Nichols Institute San Juan Capistrano
Classification: Uncertain significance. Last evaluated: 2024-09-25. Review status: criteria provided, single submitter. Criteria: Quest Diagnostics criteria. Collection method: clinical testing. Allele origin: unknown.
Comment: The FANCM c.3095A>T (p.Asp1032Val) variant has not been reported in individuals with FANCM-related conditions in the published literature. The frequency of this variant in the general population, 0.00012 (4/34556 chromosomes (Genome Aggregation Database)), is uninformative in the assessment of its pathogenicity. Analysis of this variant using bioinformatics tools for the prediction of the effect of amino acid changes on protein structure and function yielded predictions that this variant is benign. Based on the available information, we are unable to determine the clinical significance of this variant.

Labcorp Genetics (formerly Invitae), Labcorp
Classification: Uncertain significance for Fanconi anemia. Last evaluated: 2024-06-06. Review status: criteria provided, single submitter. Criteria: Invitae Variant Classification Sherloc (09022015). Collection method: clinical testing. Allele origin: germline.
Comment: This sequence change replaces aspartic acid, which is acidic and polar, with valine, which is neutral and non-polar, at codon 1032 of the FANCM protein (p.Asp1032Val). This variant is present in population databases (rs776989238, gnomAD 0.01%). This variant has not been reported in the literature in individuals affected with FANCM-related conditions. ClinVar contains an entry for this variant (Variation ID: 998221). An algorithm developed to predict the effect of missense changes on protein structure and function (PolyPhen-2) suggests that this variant is likely to be tolerated. In summary, the available evidence is currently insufficient to determine the role of this variant in disease. Therefore, it has been classified as a Variant of Uncertain Significance.

GeneDx
Classification: Uncertain significance. Last evaluated: 2023-04-26. Review status: criteria provided, single submitter. Criteria: GeneDx Variant Classification Process June 2021. Collection method: clinical testing. Allele origin: germline. Affected: yes.
Comment: Not observed at significant frequency in large population cohorts (gnomAD); In silico analysis supports that this missense variant has a deleterious effect on protein structure/function; Has not been previously published as pathogenic or benign to our knowledge

Baylor Genetics
Classification: Uncertain significance for Spermatogenic failure 28. Last evaluated: 2019-10-12. Review status: criteria provided, single submitter. Criteria: ACMG Guidelines, 2015. Collection method: clinical testing. Allele origin: unknown. Affected: yes. Study: CSER-TexasKidsCanSeq.
Comment: This variant was determined to be of uncertain significance according to ACMG Guidelines, 2015 [PMID:25741868].